The following is an entry in ClinVar:

NM_182914.3(SYNE2):c.14599G>C (p.Val4867Leu)

Gene: SYNE2 (spectrin repeat containing nuclear envelope protein 2; plus strand). Cytogenetic location: 14q23.2.
Variant type: single nucleotide variant.
Coding change: c.14599G>C on transcript NM_182914.3 (MANE Select); coding-DNA position 14599, G replaced by C.
Protein change: p.Val4867Leu; replaces valine 4867 with leucine.
Molecular consequence: missense variant.
Genome position (GRCh38, 1-based): chr14:64,134,153, G>C. VCF-style: chr14-64134153-G-C. GRCh37 (hg19) VCF-style: chr14-64600871-G-C.
Other names: c.14599G>C, p.Val4867Leu (NM_015180.6); c.14599G>C (NM_182914.2); short protein forms V4867L.
Identifiers: ClinVar variation 3665398 (VCV003665398.3).
Genomic context (GRCh38, chr14:64,134,153, plus strand): 5'-TATGCATCTCTTGAAAAGGACCTGGAAATTCTTATATCTACATTGCCCTCTGTGAGTTTG[G>C]TGGAAGAAACAGAGGAAAGATTAGTGGAAAGGATTTCATTTTACCAGGTATTTGTCTTCC-3'
Protein context (NP_878918.2, residues 4857-4877): LISTLPSVSL[Val4867Leu]EETEERLVER

ClinVar aggregate classification (germline): Uncertain significance. Review status: criteria provided, multiple submitters, no conflicts (2 of 4 stars). 2 submissions from 2 submitters: Uncertain significance (2). Last evaluated 2025-08-12.

Conditions:
Emery-Dreifuss muscular dystrophy 5, autosomal dominant (EDMD5). Also called: EMERY-DREIFUSS MUSCULAR DYSTROPHY 5. Identifiers: Orphanet 261, MedGen C2751805, MONDO:0013072, OMIM 612999.

gnomAD v4.1: 16 of 1,613,902 alleles (0.00099%); highest among the groups gnomAD compares: Non-Finnish European, 0.0014%; no homozygotes.

Submissions (2):

Ambry Genetics
Classification: Uncertain significance. Last evaluated: 2025-08-12. Review status: criteria provided, single submitter. Criteria: Ambry Variant Classification Scheme 2023. Collection method: clinical testing. Allele origin: germline.

Labcorp Genetics (formerly Invitae), Labcorp
Classification: Uncertain significance for Emery-Dreifuss muscular dystrophy 5, autosomal dominant. Last evaluated: 2024-08-24. Review status: criteria provided, single submitter. Criteria: Invitae Variant Classification Sherloc (09022015). Collection method: clinical testing. Allele origin: germline.
Comment: This sequence change replaces valine, which is neutral and non-polar, with leucine, which is neutral and non-polar, at codon 4867 of the SYNE2 protein (p.Val4867Leu). This variant is present in population databases (no rsID available, gnomAD 0.002%). This variant has not been reported in the literature in individuals affected with SYNE2-related conditions. An algorithm developed to predict the effect of missense changes on protein structure and function (PolyPhen-2) suggests that this variant is likely to be disruptive. In summary, the available evidence is currently insufficient to determine the role of this variant in disease. Therefore, it has been classified as a Variant of Uncertain Significance.